The following is an entry in ClinVar:

NM_001958.5(EEF1A2):c.480G>A (p.Pro160=)

Genes: EEF1A2 (eukaryotic translation elongation factor 1 alpha 2; minus strand), LOC132090595 (Neanderthal introgressed variant-containing enhancer experimental_60987; plus strand). Cytogenetic location: 20q13.33.
Variant type: single nucleotide variant.
Coding change: c.480G>A on transcript NM_001958.5 (MANE Select); coding-DNA position 480, G replaced by A.
Protein change: p.Pro160=; no amino-acid change (proline 160 retained).
Molecular consequence: synonymous variant.
Genome position (GRCh38, 1-based): chr20:63,494,946, C>T on the plus strand (G>A on the coding strand, the complement: EEF1A2 is on the minus strand). VCF-style: chr20-63494946-C-T. GRCh37 (hg19) VCF-style: chr20-62126299-C-T.
Other names: p.Pro160=.
Identifiers: ClinVar variation 380779 (VCV000380779.22), dbSNP rs2274860, ClinGen allele CA9959095.

ClinVar aggregate classification (germline): Benign. Review status: criteria provided, multiple submitters, no conflicts (2 of 4 stars). 8 submissions from 8 submitters: Benign (6). 2 of the submissions do not count toward it. Last evaluated 2026-02-03.

Conditions:
Inborn genetic diseases. Identifiers: MedGen C0950123, MeSH D030342.
Developmental and epileptic encephalopathy, 33 (DEE33). Also called: Epileptic encephalopathy, early infantile, 33. Identifiers: Orphanet 442835, MedGen C4225337, MONDO:0014625, OMIM 616409.

Allele frequency attached by ClinVar (database versions not stated): gnomAD exomes 0.13134 and 0.13867; 1000 Genomes Project 30x 0.13351; ExAC 0.13538; 1000 Genomes Project 0.14018; ESP Exome Variant Server 0.09914; TOPMed 0.10082; gnomAD 0.10978 and 0.11364.
gnomAD v4.1: 209,230 of 1,612,748 alleles (13%); highest among the groups gnomAD compares: East Asian, 44%; 17,013 homozygotes.

Submissions (8):

Labcorp Genetics (formerly Invitae), Labcorp
Classification: Benign for Developmental and epileptic encephalopathy, 33. Last evaluated: 2026-02-03. Review status: criteria provided, single submitter. Criteria: Invitae Variant Classification Sherloc (09022015). Collection method: clinical testing. Allele origin: germline.

Mayo Clinic Laboratories, Mayo Clinic
Classification: Benign. Last evaluated: 2018-04-10. Review status: criteria provided, single submitter. Criteria: ACMG Guidelines, 2015. Collection method: clinical testing. Allele origin: germline. Observed: 113 variant alleles.

Athena Diagnostics
Classification: Benign. Last evaluated: 2017-04-20. Review status: criteria provided, single submitter. Criteria: Athena Diagnostics Criteria. Collection method: clinical testing. Allele origin: germline.

GeneDx
Classification: Benign. Last evaluated: 2016-01-07. Review status: criteria provided, single submitter. Criteria: GeneDx Variant Classification (06012015). Collection method: clinical testing. Allele origin: germline. Affected: yes.
Comment: This variant is considered likely benign or benign based on one or more of the following criteria: it is a conservative change, it occurs at a poorly conserved position in the protein, it is predicted to be benign by multiple in silico algorithms, and/or has population frequency not consistent with disease.

Ambry Genetics
Classification: Benign for Inborn genetic diseases. Last evaluated: 2015-12-31. Review status: criteria provided, single submitter. Criteria: Ambry Variant Classification Scheme 2023. Collection method: clinical testing. Allele origin: germline.

Breakthrough Genomics
Classification: Benign. Review status: criteria provided, single submitter. Criteria: ACMG Guidelines, 2015. Collection method: not provided. Allele origin: germline. Inheritance: Autosomal dominant inheritance. Affected: yes.

Diagnostic Laboratory, Department of Genetics, University Medical Center Groningen
Classification: Benign. Review status: no assertion criteria provided. Collection method: clinical testing. Allele origin: germline. Affected: yes. Study: VKGL Data-share Consensus. Not counted in ClinVar's aggregate classification.

Joint Genome Diagnostic Labs from Nijmegen and Maastricht, Radboudumc and MUMC+
Classification: Benign. Review status: no assertion criteria provided. Collection method: clinical testing. Allele origin: germline. Affected: yes. Study: VKGL Data-share Consensus. Not counted in ClinVar's aggregate classification.